The following is an entry in ClinVar:

ClinVar aggregate classification (germline): Conflicting classifications of pathogenicity. Review status: criteria provided, conflicting classifications (1 of 4 stars). 3 submissions from 3 submitters: Likely pathogenic (2); Uncertain significance (1). Last evaluated 2025-12-08.

Conditions:
Glutaric aciduria, type 1. Also called: GA I; Glutaryl-CoA dehydrogenase deficiency; Glutaric acidemia type I; Glutaricacidemia Type 1; Glutaricaciduria, type I; Glutaric Acidemia Type 1. Identifiers: Orphanet 25, MedGen C0268595, MONDO:0009281, OMIM 231670.

Submissions (3):

Labcorp Genetics (formerly Invitae), Labcorp
Classification: Uncertain significance for Glutaric aciduria, type 1. Last evaluated: 2025-12-08. Review status: criteria provided, single submitter. Criteria: Invitae Variant Classification Sherloc (09022015). Collection method: clinical testing. Allele origin: germline.
Comment: This sequence change replaces arginine, which is basic and polar, with proline, which is neutral and non-polar, at codon 402 of the GCDH protein (p.Arg402Pro). This variant is not present in population databases (gnomAD no frequency). This missense change has been observed in individual(s) with glutaric aciduria (PMID: 32240488). ClinVar contains an entry for this variant (Variation ID: 3233788). Invitae Evidence Modeling of protein sequence and biophysical properties (such as structural, functional, and spatial information, amino acid conservation, physicochemical variation, residue mobility, and thermodynamic stability) indicates that this missense variant is expected to disrupt GCDH protein function with a positive predictive value of 80%. This variant disrupts the p.Arg402 amino acid residue in GCDH. Other variant(s) that disrupt this residue have been determined to be pathogenic (PMID: 8900227, 10649503, 11073722, 20732827). This suggests that this residue is clinically significant, and that variants that disrupt this residue are likely to be disease-causing. In summary, the available evidence is currently insufficient to determine the role of this variant in disease. Therefore, it has been classified as a Variant of Uncertain Significance.

Fulgent Genetics
Classification: Likely pathogenic for Glutaric aciduria, type 1. Last evaluated: 2024-03-25. Review status: criteria provided, single submitter. Criteria: ACMG Guidelines, 2015. Collection method: clinical testing. Allele origin: germline.

Women's Health and Genetics/Laboratory Corporation of America, LabCorp
Classification: Likely pathogenic for Glutaric aciduria, type 1. Last evaluated: 2024-03-25. Review status: criteria provided, single submitter. Criteria: LabCorp Variant Classification Summary - May 2015. Collection method: clinical testing. Allele origin: germline.
Comment: Variant summary: GCDH c.1205G>C (p.Arg402Pro) results in a non-conservative amino acid change located in the Acyl-CoA dehydrogenase/oxidase, C-terminal domain (IPR009075) of the encoded protein sequence. Five of five in-silico tools predict a damaging effect of the variant on protein function. The variant was absent in 251266 control chromosomes (gnomAD). c.1205G>C has been reported in the literature in an individual affected with Glutaric Acidemia Type 1 (Kurkina_2020). These data do not allow any conclusion about variant significance. To our knowledge, no experimental evidence demonstrating an impact on protein function has been reported. Other missense chages affecting this amino acid have been classified as pathogenic, suggeting this is a functionally important residue. The following publication has been ascertained in the context of this evaluation (PMID: 32240488). No submitters have cited clinical-significance assessments for this variant to ClinVar. Based on the evidence outlined above, the variant was classified as likely pathogenic.

Literature cited by the submitters: PubMed 32240488 (cited by Labcorp Genetics (formerly Invitae), Labcorp and Women's Health and Genetics/Laboratory Corporation of America, LabCorp); PubMed 8900227 (cited by Labcorp Genetics (formerly Invitae), Labcorp); PubMed 10649503 (cited by Labcorp Genetics (formerly Invitae), Labcorp); PubMed 11073722 (cited by Labcorp Genetics (formerly Invitae), Labcorp); PubMed 20732827 (cited by Labcorp Genetics (formerly Invitae), Labcorp).

NM_000159.4(GCDH):c.1205G>C (p.Arg402Pro)

Gene: GCDH (glutaryl-CoA dehydrogenase; plus strand). Cytogenetic location: 19p13.13.
Variant type: single nucleotide variant.
Coding change: c.1205G>C on transcript NM_000159.4 (MANE Select); coding-DNA position 1205, G replaced by C.
Protein change: p.Arg402Pro; replaces arginine 402 with proline.
Molecular consequence: missense variant. On other transcripts: non-coding transcript variant (2).
Genome position (GRCh38, 1-based): chr19:12,897,825, G>C. VCF-style: chr19-12897825-G-C. GRCh37 (hg19) VCF-style: chr19-13008639-G-C.
Other names: c.1205G>C, p.Arg402Pro (NM_013976.5); short protein forms R402P.
Identifiers: ClinVar variation 3233788 (VCV003233788.5), dbSNP rs786204626, ClinGen allele CA404321778.